The following is an entry in ClinVar:

ClinVar aggregate classification (germline): Uncertain significance (1 of 4 stars; one submission).

Submission:

Dasa
Classification: Uncertain significance. Last evaluated: 2025-07-26. Review status: criteria provided, single submitter. Criteria: DASA Assertion Criteria. Collection method: clinical testing. Allele origin: germline.
Comment: NM_001111.5(ADAR):c.2765T>G (p.Phe922Cys) is a missense variant that results in the substitution of phenylalanine with cysteine. The affected residue or protein region has prior evidence supporting clinical relevance. This variant has been observed in affected individuals with ADAR-related disorders. Also, this variant is absent from population databases. Computational prediction algorithms are consistent with a deleterious effect. The currently available literature and clinical evidence are not sufficient to establish a definitive association between this variant and the reported condition. Therefore, this variant is classified as a variant of uncertain significance.

NM_001111.5(ADAR):c.2765T>G (p.Phe922Cys)

Gene: ADAR (adenosine deaminase RNA specific; minus strand). Cytogenetic location: 1q21.3.
Variant type: single nucleotide variant.
Coding change: c.2765T>G on transcript NM_001111.5 (MANE Select); coding-DNA position 2765, T replaced by G.
Protein change: p.Phe922Cys; replaces phenylalanine 922 with cysteine.
Molecular consequence: missense variant.
Genome position (GRCh38, 1-based): chr1:154,588,671, A>C on the plus strand (T>G on the coding strand, the complement: ADAR is on the minus strand). VCF-style: chr1-154588671-A-C. GRCh37 (hg19) VCF-style: chr1-154561147-A-C.
Other names: c.1880T>G, p.Phe627Cys (NM_001025107.3, NM_001193495.2, NM_001365046.1 and 2 more transcripts); c.2792T>G, p.Phe931Cys (NM_001365045.1); c.1802T>G, p.Phe601Cys (NM_001365049.1); c.2687T>G, p.Phe896Cys (NM_015840.4); c.2630T>G, p.Phe877Cys (NM_015841.4); short protein forms F601C, F627C, F877C, F896C, F922C, F931C.
Identifiers: ClinVar variation 4881797 (VCV004881797.2).